The following is an entry in ClinVar:

NM_001042492.3(NF1):c.6978T>C (p.Asp2326=)

Gene: NF1 (neurofibromin 1; plus strand). Cytogenetic location: 17q11.2.
Variant type: single nucleotide variant.
Coding change: c.6978T>C on transcript NM_001042492.3 (MANE Select); coding-DNA position 6978, T replaced by C.
Protein change: p.Asp2326=; no amino-acid change (aspartic acid 2326 retained).
Molecular consequence: synonymous variant.
Genome position (GRCh38, 1-based): chr17:31,340,561, T>C. VCF-style: chr17-31340561-T-C. GRCh37 (hg19) VCF-style: chr17-29667579-T-C.
Other names: c.6915T>C, p.Asp2305= (NM_000267.4).
Identifiers: ClinVar variation 431682 (VCV000431682.16), dbSNP rs1135402896, ClinGen allele CA499235212.

ClinVar aggregate classification (germline): Conflicting classifications of pathogenicity. Review status: criteria provided, conflicting classifications (1 of 4 stars). 6 submissions from 6 submitters: Uncertain significance (1); Benign (1); Likely benign (3). 1 of the submissions does not count toward it. Last evaluated 2026-05-21.

Conditions:
Hereditary cancer-predisposing syndrome. Also called: Hereditary Cancer Syndrome; Neoplastic Syndromes, Hereditary; Hereditary neoplastic syndrome; Tumor predisposition. Identifiers: Orphanet 140162, MedGen C0027672, MeSH D009386, MONDO:0015356.
Cardiovascular phenotype. Identifiers: MedGen CN230736.
Neurofibromatosis, type 1 (NF1). Also called: VON RECKLINGHAUSEN DISEASE; NEUROFIBROMATOSIS, TYPE I, SOMATIC; Neurofibromatosis, type I; Peripheral type neurofibromatosis. Identifiers: Orphanet 636, MedGen C0027831, MONDO:0018975, OMIM 162200. Disease mechanism: loss of function.

Submissions (6):

Myriad Genetics, Inc.
Classification: Benign for Neurofibromatosis, type 1. Last evaluated: 2026-05-21. Review status: criteria provided, single submitter. Criteria: Myriad Autosomal Dominant, Autosomal Recessive and X-Linked Classification Criteria (2023). Collection method: clinical testing. Allele origin: unknown.
Comment: This variant is considered benign. This variant is a silent/synonymous amino acid change and it is not expected to impact splicing.

Labcorp Genetics (formerly Invitae), Labcorp
Classification: Likely benign for Neurofibromatosis, type 1. Last evaluated: 2025-10-23. Review status: criteria provided, single submitter. Criteria: Invitae Variant Classification Sherloc (09022015). Collection method: clinical testing. Allele origin: germline.

Quest Diagnostics Nichols Institute San Juan Capistrano
Classification: Uncertain significance. Last evaluated: 2025-10-23. Review status: criteria provided, single submitter. Criteria: Quest Diagnostics criteria. Collection method: clinical testing. Allele origin: unknown.

Women's Health and Genetics/Laboratory Corporation of America, LabCorp
Classification: Likely benign. Last evaluated: 2024-12-06. Review status: criteria provided, single submitter. Criteria: LabCorp Variant Classification Summary - May 2015. Collection method: clinical testing. Allele origin: germline.

Ambry Genetics
Classification: Likely benign for Cardiovascular phenotype; Hereditary cancer-predisposing syndrome. Last evaluated: 2017-05-24. Review status: criteria provided, single submitter. Criteria: Ambry Variant Classification Scheme 2023. Collection method: clinical testing. Allele origin: germline.

Medical Genetics, University of Parma
Classification: Uncertain significance for Neurofibromatosis type 1. Last evaluated: 2017-02-02. Review status: no assertion criteria provided. Collection method: clinical testing. Allele origin: germline. Affected: yes. Not counted in ClinVar's aggregate classification.

Literature cited by the submitters: PubMed 10678181 (cited by Women's Health and Genetics/Laboratory Corporation of America, LabCorp); PubMed 23460398 (cited by Women's Health and Genetics/Laboratory Corporation of America, LabCorp); PubMed 29872168 (cited by Women's Health and Genetics/Laboratory Corporation of America, LabCorp).